The following is an entry in ClinVar:

ClinVar aggregate classification (germline): Uncertain significance (1 of 4 stars; one submission).

Submission:

Labcorp Genetics (formerly Invitae), Labcorp
Classification: Uncertain significance. Last evaluated: 2025-12-28. Review status: criteria provided, single submitter. Criteria: Invitae Variant Classification Sherloc (09022015). Collection method: clinical testing. Allele origin: germline.
Comment: This sequence change replaces tryptophan, which is neutral and slightly polar, with arginine, which is basic and polar, at codon 380 of the GABRA2 protein (p.Trp380Arg). This variant is not present in population databases (gnomAD no frequency). This variant has not been reported in the literature in individuals affected with GABRA2-related conditions. An algorithm developed to predict the effect of missense changes on protein structure and function (PolyPhen-2) suggests that this variant is likely to be tolerated. In summary, the available evidence is currently insufficient to determine the role of this variant in disease. Therefore, it has been classified as a Variant of Uncertain Significance.

NM_000807.4(GABRA2):c.1059+5630T>C

Gene: GABRA2 (gamma-aminobutyric acid type A receptor subunit alpha2; minus strand). Cytogenetic location: 4p12.
Variant type: single nucleotide variant.
Coding change: c.1059+5630T>C on transcript NM_000807.4 (MANE Select); 5630 bases into the intron after coding-DNA position 1059, T replaced by C.
Molecular consequence: intron variant. On other transcripts: missense variant (4).
Genome position (GRCh38, 1-based): chr4:46,256,296, A>G on the plus strand (T>C on the coding strand, the complement: GABRA2 is on the minus strand). VCF-style: chr4-46256296-A-G. GRCh37 (hg19) VCF-style: chr4-46258313-A-G.
Other names: c.973T>C, p.Trp325Arg (NM_001286827.3); c.1138T>C, p.Trp380Arg (NM_001330690.2, NM_001377144.1, NM_001377145.1); c.894+5630T>C (NM_001377154.1, NM_001377152.1, NM_001377153.1); c.1059+5630T>C (NM_001377146.1, NM_001377150.1, NM_001377147.1 and 4 more transcripts); short protein forms W325R, W380R.
Identifiers: ClinVar variation 4711553 (VCV004711553.1).